The following is an entry in ClinVar:

ClinVar aggregate classification (germline): Uncertain significance. Review status: criteria provided, multiple submitters, no conflicts (2 of 4 stars). 4 submissions from 4 submitters: Uncertain significance (4). Last evaluated 2025-03-27.

Conditions:
Inborn genetic diseases. Identifiers: MedGen C0950123, MeSH D030342.

Allele frequency attached by ClinVar (database versions not stated): ExAC 0.00001; gnomAD exomes 0.00001; TOPMed 0.00002.
gnomAD v4.1: 10 of 1,613,926 alleles (0.00062%); highest among the groups gnomAD compares: African/African-American, 0.0053%; no homozygotes.

Submissions (4):

Ambry Genetics
Classification: Uncertain significance for Inborn genetic diseases. Last evaluated: 2025-03-27. Review status: criteria provided, single submitter. Criteria: Ambry Variant Classification Scheme 2023. Collection method: clinical testing. Allele origin: germline.

Blueprint Genetics
Classification: Uncertain significance. Last evaluated: 2024-09-17. Review status: criteria provided, single submitter. Criteria: ACMG Guidelines, 2015. Collection method: clinical testing. Allele origin: germline.

Labcorp Genetics (formerly Invitae), Labcorp
Classification: Uncertain significance. Last evaluated: 2023-05-23. Review status: criteria provided, single submitter. Criteria: Invitae Variant Classification Sherloc (09022015). Collection method: clinical testing. Allele origin: germline.
Comment: In summary, the available evidence is currently insufficient to determine the role of this variant in disease. Therefore, it has been classified as a Variant of Uncertain Significance. Advanced modeling of protein sequence and biophysical properties (such as structural, functional, and spatial information, amino acid conservation, physicochemical variation, residue mobility, and thermodynamic stability) performed at Invitae indicates that this missense variant is expected to disrupt NFKB1 protein function. ClinVar contains an entry for this variant (Variation ID: 1305053). This variant has not been reported in the literature in individuals affected with NFKB1-related conditions. This variant is present in population databases (rs768698948, gnomAD 0.004%). This sequence change replaces valine, which is neutral and non-polar, with methionine, which is neutral and non-polar, at codon 235 of the NFKB1 protein (p.Val235Met).

GeneDx
Classification: Uncertain significance. Last evaluated: 2019-04-13. Review status: criteria provided, single submitter. Criteria: GeneDx Variant Classification Process June 2021. Collection method: clinical testing. Allele origin: germline. Affected: yes.
Comment: In silico analysis, which includes protein predictors and evolutionary conservation, supports a deleterious effect; Has not been previously published as pathogenic or benign to our knowledge

NM_003998.4(NFKB1):c.703G>A (p.Val235Met)

Gene: NFKB1 (nuclear factor kappa B subunit 1; plus strand). Cytogenetic location: 4q24.
Variant type: single nucleotide variant.
Coding change: c.703G>A on transcript NM_003998.4 (MANE Select); coding-DNA position 703, G replaced by A.
Protein change: p.Val235Met; replaces valine 235 with methionine.
Molecular consequence: missense variant.
Genome position (GRCh38, 1-based): chr4:102,579,012, G>A. VCF-style: chr4-102579012-G-A. GRCh37 (hg19) VCF-style: chr4-103500169-G-A.
Other names: c.700G>A, p.Val234Met (NM_001165412.2, NM_001319226.2, NM_001382627.1); c.703G>A, p.Val235Met (NM_001382625.1, NM_001382626.1); c.661G>A, p.Val221Met (NM_001382628.1); short protein forms V221M, V234M, V235M.
Identifiers: ClinVar variation 1305053 (VCV001305053.7), dbSNP rs768698948, ClinGen allele CA3025952.